The following is an entry in ClinVar:

NM_018646.6(TRPV6):c.1407-5C>T

Gene: TRPV6 (transient receptor potential cation channel subfamily V member 6; minus strand). Cytogenetic location: 7q34.
Variant type: single nucleotide variant.
Coding change: c.1407-5C>T on transcript NM_018646.6 (MANE Select); 5 bases into the intron before coding-DNA position 1407, C replaced by T.
Molecular consequence: intron variant.
Genome position (GRCh38, 1-based): chr7:142,874,661, G>A on the plus strand (C>T on the coding strand, the complement: TRPV6 is on the minus strand). VCF-style: chr7-142874661-G-A. GRCh37 (hg19) VCF-style: chr7-142572414-G-A.
Other names: c.1407-5C>T (NM_018646.5).
Identifiers: ClinVar variation 2863320 (VCV002863320.6), dbSNP rs112669500, ClinGen allele CA4532509.

ClinVar aggregate classification (germline): Benign/Likely benign. Review status: criteria provided, multiple submitters, no conflicts (2 of 4 stars). 3 submissions from 3 submitters: Benign (1); Likely benign (1). 1 of the submissions does not count toward it. Last evaluated 2026-01-11.

Conditions:
TRPV6-related disorder. Also called: TRPV6-related condition.

Allele frequency attached by ClinVar (database versions not stated): gnomAD exomes 0.00017; ExAC 0.00065; TOPMed 0.00167; gnomAD 0.00171; ESP Exome Variant Server 0.00200; 1000 Genomes Project 0.00260; 1000 Genomes Project 30x 0.00281.
gnomAD v4.1: 515 of 1,611,836 alleles (0.032%); highest among the groups gnomAD compares: African/African-American, 0.58%; 2 homozygotes.

Submissions (3):

Labcorp Genetics (formerly Invitae), Labcorp
Classification: Benign. Last evaluated: 2026-01-11. Review status: criteria provided, single submitter. Criteria: Invitae Variant Classification Sherloc (09022015). Collection method: clinical testing. Allele origin: germline.

Blueprint Genetics
Classification: Likely benign. Last evaluated: 2024-09-03. Review status: criteria provided, single submitter. Criteria: ACMG Guidelines, 2015. Collection method: clinical testing. Allele origin: germline.

PreventionGenetics, part of Exact Sciences
Classification: Likely benign for TRPV6-related condition. Last evaluated: 2019-07-01. Review status: no assertion criteria provided. Collection method: clinical testing. Allele origin: germline. Not counted in ClinVar's aggregate classification.
Comment: This variant is classified as likely benign based on ACMG/AMP sequence variant interpretation guidelines (Richards et al. 2015 PMID: 25741868, with internal and published modifications).